The following is an entry in ClinVar:

NM_006218.4(PIK3CA):c.1342G>A (p.Val448Ile)

Gene: PIK3CA (phosphatidylinositol-4,5-bisphosphate 3-kinase catalytic subunit alpha; plus strand). Cytogenetic location: 3q26.32.
Variant type: single nucleotide variant.
Coding change: c.1342G>A on transcript NM_006218.4 (MANE Select); coding-DNA position 1342, G replaced by A.
Protein change: p.Val448Ile; replaces valine 448 with isoleucine.
Molecular consequence: missense variant.
Genome position (GRCh38, 1-based): chr3:179,210,276, G>A. VCF-style: chr3-179210276-G-A. GRCh37 (hg19) VCF-style: chr3-178928064-G-A.
Other names: c.1342G>A (LRG_310t1); short protein forms V448I.
Identifiers: ClinVar variation 403904 (VCV000403904.12), dbSNP rs201946684, ClinGen allele CA16611194.

ClinVar aggregate classification (germline): Uncertain significance (1 of 4 stars; one submission).

Conditions:
Cowden syndrome (CS). Also called: Cowden's disease; Cowden's syndrome; Cowden disease. Identifiers: Orphanet 201, MedGen C0018553, MONDO:0016063. Disease mechanism: gain of function.

Allele frequency attached by ClinVar (database versions not stated): gnomAD exomes below 0.00001 and 0.00001; gnomAD 0.00001; TOPMed 0.00002.
gnomAD v4.1: 13 of 1,593,672 alleles (0.00082%); highest among the groups gnomAD compares: Non-Finnish European, 0.00094%; no homozygotes.

Submission:

Labcorp Genetics (formerly Invitae), Labcorp
Classification: Uncertain significance for Cowden syndrome. Last evaluated: 2023-06-16. Review status: criteria provided, single submitter. Criteria: Invitae Variant Classification Sherloc (09022015). Collection method: clinical testing. Allele origin: germline.
Comment: In summary, the available evidence is currently insufficient to determine the role of this variant in disease. Therefore, it has been classified as a Variant of Uncertain Significance. Advanced modeling of protein sequence and biophysical properties (such as structural, functional, and spatial information, amino acid conservation, physicochemical variation, residue mobility, and thermodynamic stability) has been performed at Invitae for this missense variant, however the output from this modeling did not meet the statistical confidence thresholds required to predict the impact of this variant on PIK3CA protein function. ClinVar contains an entry for this variant (Variation ID: 403904). This variant has not been reported in the literature in individuals affected with PIK3CA-related conditions. This variant is present in population databases (rs201946684, gnomAD 0.0009%). This sequence change replaces valine, which is neutral and non-polar, with isoleucine, which is neutral and non-polar, at codon 448 of the PIK3CA protein (p.Val448Ile).